The following is an entry in ClinVar:

ClinVar aggregate classification (germline): Likely pathogenic. Review status: criteria provided, multiple submitters, no conflicts (2 of 4 stars). 3 submissions from 3 submitters: Likely pathogenic (2). 1 of the submissions does not count toward it. Last evaluated 2024-09-17.

Conditions:
Fanconi anemia (FA). Also called: Fanconi's anemia. Identifiers: Orphanet 84, MedGen C0015625, MeSH D005199, MONDO:0019391.
Fanconi anemia complementation group A (FANCA). Also called: Fanconi anemia, group A; FANCA-Related Fanconi Anemia. Identifiers: Orphanet 84, MedGen C3469521, MONDO:0009215, OMIM 227650.

Submissions (3):

Natera, Inc.
Classification: Likely pathogenic for Fanconi anemia. Last evaluated: 2024-09-17. Review status: criteria provided, single submitter. Criteria: Natera Variant Classification Schema (03/2026). Collection method: clinical testing. Allele origin: germline.
Comment: The c.3329A>C variant in FANCA is a missense variant predicted to cause substitution of histidine to proline at amino acid 1110. This variant is rare in the general population with a frequency below the threshold expected for the associated phenotype(s). This variant has been observed in one or more individuals affected with the associated recessive disease, as either homozygous or compound heterozygous with a second variant (PMID: 10210316, 10521298, 12444097). Functional studies show that this variant may disrupt protein function (PMID: 10210316). Given the available evidence, this variant is classified as Likely Pathogenic.

Baylor Genetics
Classification: Likely pathogenic for Fanconi anemia complementation group A. Last evaluated: 2024-03-20. Review status: criteria provided, single submitter. Criteria: ACMG Guidelines, 2015. Collection method: clinical testing. Allele origin: unknown.

Leiden Open Variation Database
Classification: Pathogenic for Fanconi anemia complementation group A. Last evaluated: 2020-02-28. Review status: no assertion criteria provided. Collection method: curation. Allele origin: germline. Affected: yes. Not counted in ClinVar's aggregate classification.
Comment: Curator: Arleen D. Auerbach. Submitter to LOVD: Arleen D. Auerbach.

Literature cited by the submitters: PubMed 10210316 (cited by Natera, Inc.); PubMed 10521298 (cited by Natera, Inc. and Leiden Open Variation Database); PubMed 12444097 (cited by Natera, Inc. and Leiden Open Variation Database).

NM_000135.4(FANCA):c.3329A>C (p.His1110Pro)

Gene: FANCA (FA complementation group A; minus strand). Cytogenetic location: 16q24.3.
Variant type: single nucleotide variant.
Coding change: c.3329A>C on transcript NM_000135.4 (MANE Select); coding-DNA position 3329, A replaced by C.
Protein change: p.His1110Pro; replaces histidine 1110 with proline.
Molecular consequence: missense variant.
Genome position (GRCh38, 1-based): chr16:89,748,678, T>G on the plus strand (A>C on the coding strand, the complement: FANCA is on the minus strand). VCF-style: chr16-89748678-T-G. GRCh37 (hg19) VCF-style: chr16-89815086-T-G.
Other names: c.3329A>C, p.His1110Pro (NM_001286167.3); c.3329A>C (NM_000135.3); short protein forms H1110P.
Identifiers: ClinVar variation 974348 (VCV000974348.3), dbSNP rs752837228, ClinGen allele CA397486219.
Genomic context (GRCh38, chr16:89,748,678, plus strand): 5'-CACTGACAGATCGGACGGACACGTGCACACGGGGCACCTACCATCTCAGAGTTGACCAAG[T>G]GGAAGAACTGCTCGCATCTGGCAGTGATGGGCTGTTCTGCCTGGAAGCTGCTGCCGCAGA-3'
Protein context (NP_000126.2, residues 1100-1120): PITARCEQFF[His1110Pro]LVNSEMRNFC